The following is an entry in ClinVar:

ClinVar aggregate classification (germline): Uncertain significance. Review status: criteria provided, multiple submitters, no conflicts (2 of 4 stars). 2 submissions from 2 submitters: Uncertain significance (2). Last evaluated 2023-09-11.

Conditions:
Hereditary cancer-predisposing syndrome. Also called: Neoplastic Syndromes, Hereditary; Hereditary neoplastic syndrome; Tumor predisposition; Hereditary Cancer Syndrome. Identifiers: Orphanet 140162, MedGen C0027672, MeSH D009386, MONDO:0015356.
Tuberous sclerosis 2 (TSC2). Identifiers: Orphanet 805, MedGen C1860707, MONDO:0013199, OMIM 613254.

Allele frequency attached by ClinVar (database versions not stated): gnomAD exomes below 0.00001.
gnomAD v4.1: 1 of 1,601,880 alleles (0.000062%); highest among the groups gnomAD compares: Non-Finnish European, 0.000085%; no homozygotes.

Submissions (2):

Ambry Genetics
Classification: Uncertain significance for Hereditary cancer-predisposing syndrome. Last evaluated: 2023-09-11. Review status: criteria provided, single submitter. Criteria: Ambry Variant Classification Scheme 2023. Collection method: clinical testing. Allele origin: germline.
Comment: The c.1361+5G>A intronic variant results from a G to A substitution 5 nucleotides after coding exon 12 in the TSC2 gene. This nucleotide position is not well conserved in available vertebrate species. In silico splice site analysis predicts that this alteration will not have any significant effect on splicing. Since supporting evidence is limited at this time, the clinical significance of this alteration remains unclear.

Labcorp Genetics (formerly Invitae), Labcorp
Classification: Uncertain significance for Tuberous sclerosis 2. Last evaluated: 2019-08-22. Review status: criteria provided, single submitter. Criteria: Invitae Variant Classification Sherloc (09022015). Collection method: clinical testing. Allele origin: germline.
Comment: In summary, the available evidence is currently insufficient to determine the role of this variant in disease. Therefore, it has been classified as a Variant of Uncertain Significance. Nucleotide substitutions within the consensus splice site are a relatively common cause of aberrant splicing (PMID: 17576681, 9536098). Algorithms developed to predict the effect of sequence changes on RNA splicing suggest that this variant may disrupt the consensus splice site, but this prediction has not been confirmed by published transcriptional studies. This variant has not been reported in the literature in individuals with TSC2-related conditions. This variant is not present in population databases (ExAC no frequency). This sequence change falls in intron 13 of the TSC2 gene. It does not directly change the encoded amino acid sequence of the TSC2 protein, but it affects a nucleotide within the consensus splice site of the intron.

Literature cited by the submitters: PubMed 17576681 (cited by Labcorp Genetics (formerly Invitae), Labcorp); PubMed 9536098 (cited by Labcorp Genetics (formerly Invitae), Labcorp).

NM_000548.5(TSC2):c.1361+5G>A

Gene: TSC2 (TSC complex subunit 2; plus strand). Cytogenetic location: 16p13.3.
Variant type: single nucleotide variant.
Coding change: c.1361+5G>A on transcript NM_000548.5 (MANE Select); 5 bases into the intron after coding-DNA position 1361, G replaced by A.
Molecular consequence: intron variant.
Genome position (GRCh38, 1-based): chr16:2,062,605, G>A. VCF-style: chr16-2062605-G-A. GRCh37 (hg19) VCF-style: chr16-2112606-G-A.
Other names: c.1361+5G>A (NM_001114382.3, NM_021055.3, NM_001370405.1 and 3 more transcripts); c.1250+5G>A (NM_001318827.2); c.761+5G>A (NM_001318831.2); c.1214+5G>A (NM_001318829.2); c.1394+5G>A (NM_001318832.2).
Identifiers: ClinVar variation 839758 (VCV000839758.9), dbSNP rs2086781791, ClinGen allele CA916081796.